The following is an entry in ClinVar:

NM_003079.5(SMARCE1):c.846G>A (p.Met282Ile)

Gene: SMARCE1 (SWI/SNF related BAF chromatin remodeling complex subunit E1; minus strand). Cytogenetic location: 17q21.2.
Variant type: single nucleotide variant.
Coding change: c.846G>A on transcript NM_003079.5 (MANE Select); coding-DNA position 846, G replaced by A.
Protein change: p.Met282Ile; replaces methionine 282 with isoleucine.
Molecular consequence: missense variant.
Genome position (GRCh38, 1-based): chr17:40,630,895, C>T on the plus strand (G>A on the coding strand, the complement: SMARCE1 is on the minus strand). VCF-style: chr17-40630895-C-T. GRCh37 (hg19) VCF-style: chr17-38787147-C-T.
Other names: short protein forms M282I.
Identifiers: ClinVar variation 4170317 (VCV004170317.1).
Genomic context (GRCh38, chr17:40,630,895, plus strand): 5'-TTCCTCCTGCCTTTTGCGGGCCTGTTCCTCTGCCTGTGCAATCTCAGCTGCAATTTTCTC[C>T]ATATCCACTTCTACTTTCAGACCGCACAACTAATCAGAAAAAAACAGAACTCCGTAATGT-3'
Protein context (NP_003070.3, residues 272-292): RLCGLKVEVD[Met282Ile]EKIAAEIAQA

ClinVar aggregate classification (germline): Uncertain significance (1 of 4 stars; one submission).

Conditions:
Hereditary cancer-predisposing syndrome. Also called: Neoplastic Syndromes, Hereditary; Tumor predisposition; Hereditary Cancer Syndrome; Hereditary neoplastic syndrome. Identifiers: Orphanet 140162, MedGen C0027672, MeSH D009386, MONDO:0015356.

Submission:

Ambry Genetics
Classification: Uncertain significance for Hereditary cancer-predisposing syndrome. Last evaluated: 2025-07-09. Review status: criteria provided, single submitter. Criteria: Ambry Variant Classification Scheme 2023. Collection method: clinical testing. Allele origin: germline.
Comment: The p.M282I variant (also known as c.846G>A), located in coding exon 9 of the SMARCE1 gene, results from a G to A substitution at nucleotide position 846. The methionine at codon 282 is replaced by isoleucine, an amino acid with highly similar properties. This amino acid position is conserved. In addition, this alteration is predicted to be tolerated by in silico analysis. Based on the available evidence, the clinical significance of this variant remains unclear.